The following is an entry in ClinVar:

NM_001127222.2(CACNA1A):c.6958C>T (p.Gln2320Ter)

Genes: CACNA1A (calcium voltage-gated channel subunit alpha1 A; minus strand), LOC108663985 (calcium voltage-gated channel subunit alpha1 A repeat instability region; plus strand). Cytogenetic location: 19p13.13.
Variant type: single nucleotide variant.
Coding change: c.6958C>T on transcript NM_001127222.2 (MANE Select); coding-DNA position 6958, C replaced by T.
Protein change: p.Gln2320Ter; replaces glutamine 2320 with a stop codon.
Molecular consequence: nonsense. On other transcripts: 3 prime UTR variant (3).
Genome position (GRCh38, 1-based): chr19:13,207,876, G>A on the plus strand (C>T on the coding strand, the complement: CACNA1A is on the minus strand). VCF-style: chr19-13207876-G-A. GRCh37 (hg19) VCF-style: chr19-13318690-G-A.
Other names: c.*170C>T (NM_000068.4, NM_001127221.2, NM_001174080.2); c.6976C>T, p.Gln2326Ter (NM_023035.3); short protein forms Q2320*, Q2326*.
Identifiers: ClinVar variation 2633414 (VCV002633414.1), dbSNP rs1600075382, ClinGen allele CA404328729.

ClinVar aggregate classification (germline): Uncertain significance (1 of 4 stars; one submission).

Conditions:
CACNA1A-related disorder. Also called: CACNA1A-related condition.

Submission:

PreventionGenetics, part of Exact Sciences
Classification: Uncertain significance for CACNA1A-related condition. Last evaluated: 2023-04-07. Review status: criteria provided, single submitter. Criteria: ACMG Guidelines, 2015. Collection method: clinical testing. Allele origin: germline.
Comment: The CACNA1A c.6958C>T variant is predicted to result in premature protein termination (p.Gln2320*). To our knowledge, this variant has not been reported in the literature or in a large population database, indicating this variant is rare. Although this variant is predicted to result in an early termination change, it is located in the terminal exon, and other early termination changes are observed nearby in the gnomAD database of individuals with unknown phenotypes. At this time, the clinical significance of this variant is uncertain due to the absence of conclusive functional and genetic evidence.